The following is an entry in ClinVar:

NM_000256.3(MYBPC3):c.2807C>A (p.Thr936Lys)

Gene: MYBPC3 (myosin binding protein C3; minus strand). Cytogenetic location: 11p11.2.
Variant type: single nucleotide variant.
Coding change: c.2807C>A on transcript NM_000256.3 (MANE Select); coding-DNA position 2807, C replaced by A.
Protein change: p.Thr936Lys; replaces threonine 936 with lysine.
Molecular consequence: missense variant.
Genome position (GRCh38, 1-based): chr11:47,335,140, G>T on the plus strand (C>A on the coding strand, the complement: MYBPC3 is on the minus strand). VCF-style: chr11-47335140-G-T. GRCh37 (hg19) VCF-style: chr11-47356691-G-T.
Other names: short protein forms T936K.
Identifiers: ClinVar variation 1796274 (VCV001796274.6), dbSNP rs374946555, ClinGen allele CA221683756.

ClinVar aggregate classification (germline): Uncertain significance. Review status: criteria provided, multiple submitters, no conflicts (2 of 4 stars). 3 submissions from 3 submitters: Uncertain significance (3). Last evaluated 2026-01-01.

Conditions:
Cardiovascular phenotype. Identifiers: MedGen CN230736.
Hypertrophic cardiomyopathy. Also called: HYPERTROPHIC MYOCARDIOPATHY. Identifiers: Orphanet 217569, MedGen C0007194, MeSH D002312, MONDO:0005045, HP:0001639.

Allele frequency attached by ClinVar (database versions not stated): ESP Exome Variant Server 0.00008.

Submissions (3):

Labcorp Genetics (formerly Invitae), Labcorp
Classification: Uncertain significance for Hypertrophic cardiomyopathy. Last evaluated: 2026-01-01. Review status: criteria provided, single submitter. Criteria: Invitae Variant Classification Sherloc (09022015). Collection method: clinical testing. Allele origin: germline.
Comment: This sequence change replaces threonine, which is neutral and polar, with lysine, which is basic and polar, at codon 936 of the MYBPC3 protein (p.Thr936Lys). This variant is present in population databases (rs374946555, gnomAD 0.01%). This variant has not been reported in the literature in individuals affected with MYBPC3-related conditions. ClinVar contains an entry for this variant (Variation ID: 1796274). An algorithm developed to predict the effect of missense changes on protein structure and function (PolyPhen-2) suggests that this variant is likely to be disruptive. In summary, the available evidence is currently insufficient to determine the role of this variant in disease. Therefore, it has been classified as a Variant of Uncertain Significance.

Ambry Genetics
Classification: Uncertain significance for Cardiovascular phenotype. Last evaluated: 2025-06-12. Review status: criteria provided, single submitter. Criteria: Ambry Variant Classification Scheme 2023. Collection method: clinical testing. Allele origin: germline.

All of Us Research Program, National Institutes of Health
Classification: Uncertain significance for Hypertrophic cardiomyopathy. Last evaluated: 2023-11-30. Review status: criteria provided, single submitter. Criteria: ACMG Guidelines, 2015. Collection method: clinical testing. Allele origin: germline. Inheritance: Autosomal dominant inheritance. Observed: 2 variant alleles, 2 heterozygotes.
Comment: This missense variant replaces threonine with lysine at codon 936 of the MYBPC3 protein. Computational prediction is inconclusive regarding the impact of this variant on protein structure and function (internally defined REVEL score threshold 0.5 < inconclusive < 0.7, PMID: 27666373). To our knowledge, functional studies have not been reported for this variant. This variant has not been reported in individuals affected with MYBPC3-related disorders in the literature. This variant has been identified in 1/31376 chromosomes in the general population by the Genome Aggregation Database (gnomAD). The available evidence is insufficient to determine the role of this variant in disease conclusively. Therefore, this variant is classified as a Variant of Uncertain Significance.

This study involves interpretation of variants in research participants for the purpose of population health screening. Participant phenotype was not available at the time of variant classification. Additional details can be found in publication PMID: 35346344, PMCID: PMC8962531